The following is an entry in ClinVar:

NM_001127392.3(MYRF):c.402A>G (p.Thr134=)

Gene: MYRF (myelin regulatory factor; plus strand). Cytogenetic location: 11q12.2.
Variant type: single nucleotide variant.
Coding change: c.402A>G on transcript NM_001127392.3 (MANE Select); coding-DNA position 402, A replaced by G.
Protein change: p.Thr134=; no amino-acid change (threonine 134 retained).
Molecular consequence: synonymous variant.
Genome position (GRCh38, 1-based): chr11:61,769,263, A>G. VCF-style: chr11-61769263-A-G. GRCh37 (hg19) VCF-style: chr11-61536735-A-G.
Other names: c.375A>G, p.Thr125= (NM_013279.4).
Identifiers: ClinVar variation 3032250 (VCV003032250.2), dbSNP rs369767896, ClinGen allele CA6037544.

ClinVar aggregate classification (germline): Likely benign (0 of 4 stars; one submission).

Conditions:
MYRF-related disorder. Also called: MYRF-related condition; MYRF-related disorders.

Allele frequency attached by ClinVar (database versions not stated): gnomAD 0.00008; gnomAD exomes 0.00009; ESP Exome Variant Server 0.00015; TOPMed 0.00015; ExAC 0.00100.
gnomAD v4.1: 138 of 1,601,532 alleles (0.0086%); highest among the groups gnomAD compares: Admixed American, 0.14%; 1 homozygote.

Submission:

PreventionGenetics, part of Exact Sciences
Classification: Likely benign for MYRF-related condition. Last evaluated: 2022-10-04. Review status: no assertion criteria provided. Collection method: clinical testing. Allele origin: germline.
Comment: This variant is classified as likely benign based on ACMG/AMP sequence variant interpretation guidelines (Richards et al. 2015 PMID: 25741868, with internal and published modifications).